The following is an entry in ClinVar:

NM_000052.7(ATP7A):c.3659-5A>G

Gene: ATP7A (ATPase copper transporting alpha; plus strand). Cytogenetic location: Xq21.1.
Variant type: single nucleotide variant.
Coding change: c.3659-5A>G on transcript NM_000052.7 (MANE Select); 5 bases into the intron before coding-DNA position 3659, A replaced by G.
Molecular consequence: intron variant.
Genome position (GRCh38, 1-based): chrX:78,040,586, A>G. VCF-style: chrX-78040586-A-G. GRCh37 (hg19) VCF-style: chrX-77296084-A-G.
Other names: c.3425-5A>G (NM_001282224.2).
Identifiers: ClinVar variation 513640 (VCV000513640.4), dbSNP rs1557238245, ClinGen allele CA642480693.

ClinVar aggregate classification (germline): Likely benign. Review status: criteria provided, multiple submitters, no conflicts (2 of 4 stars). 2 submissions from 2 submitters: Likely benign (2). Last evaluated 2023-09-22.

Conditions:
Menkes kinky-hair syndrome (MNK). Also called: Classic Menkes Disease; Copper transport disease; Menkes Disease. Identifiers: Orphanet 565, MedGen C0022716, MONDO:0010651, OMIM 309400.
Cutis laxa, X-linked (OHS). Also called: EDS IX; Occipital horn syndrome. Identifiers: Orphanet 198, MedGen C0268353, MONDO:0010572, OMIM 304150.
X-linked distal spinal muscular atrophy type 3. Also called: NEURONOPATHY, DISTAL HEREDITARY MOTOR, X-LINKED; NEUROPATHY, DISTAL HEREDITARY MOTOR, X-LINKED; ATP7A-Related Distal Motor Neuropathy; SPINAL MUSCULAR ATROPHY, DISTAL, X-LINKED RECESSIVE. Identifiers: Orphanet 139557, MedGen C1845359, MONDO:0010338, OMIM 300489.

Allele frequency attached by ClinVar (database versions not stated): gnomAD exomes below 0.00001 and 0.00001.
gnomAD v4.1: 1 of 1,210,035 alleles (0.000083%); highest among the groups gnomAD compares: Non-Finnish European, 0.00011%; no homozygotes.

Submissions (2):

Labcorp Genetics (formerly Invitae), Labcorp
Classification: Likely benign for X-linked distal spinal muscular atrophy type 3; Cutis laxa, X-linked; Menkes kinky-hair syndrome. Last evaluated: 2023-09-22. Review status: criteria provided, single submitter. Criteria: Invitae Variant Classification Sherloc (09022015). Collection method: clinical testing. Allele origin: germline.

GeneDx
Classification: Likely benign. Last evaluated: 2017-11-28. Review status: criteria provided, single submitter. Criteria: GeneDx Variant Classification (06012015). Collection method: clinical testing. Allele origin: germline. Affected: yes.
Comment: This variant is considered likely benign or benign based on one or more of the following criteria: it is a conservative change, it occurs at a poorly conserved position in the protein, it is predicted to be benign by multiple in silico algorithms, and/or has population frequency not consistent with disease.